The following is an entry in ClinVar:

NM_020745.4(AARS2):c.2718G>C (p.Gln906His)

Gene: AARS2 (alanyl-tRNA synthetase 2, mitochondrial; minus strand). Cytogenetic location: 6p21.1.
Variant type: single nucleotide variant.
Coding change: c.2718G>C on transcript NM_020745.4 (MANE Select); coding-DNA position 2718, G replaced by C.
Protein change: p.Gln906His; replaces glutamine 906 with histidine.
Molecular consequence: missense variant.
Genome position (GRCh38, 1-based): chr6:44,301,231, C>G on the plus strand (G>C on the coding strand, the complement: AARS2 is on the minus strand). VCF-style: chr6-44301231-C-G. GRCh37 (hg19) VCF-style: chr6-44268968-C-G.
Other names: c.2718G>C (NM_020745.2); short protein forms Q906H.
Identifiers: ClinVar variation 2414479 (VCV002414479.44), dbSNP rs370586197, ClinGen allele CA3833858.
Genomic context (GRCh38, chr6:44,301,231, plus strand): 5'-GGCACACAGCACCTTCCCCATGGGCTGGGGGCTGAGTAGGAGCACAGACGTGCTGGGGGC[C>G]TGCTCACACAGCTGCCGTACCACCTTCACCAGCACCTGGACCACGAAAGACAGATGGTGA-3'
Protein context (NP_065796.2, residues 896-916): LVKVVRQLCE[Gln906His]APSTSVLLLS

ClinVar aggregate classification (germline): Uncertain significance. Review status: criteria provided, multiple submitters, no conflicts (2 of 4 stars). 2 submissions from 2 submitters: Uncertain significance (2). Last evaluated 2026-01-05.

Conditions:
Inborn genetic diseases. Identifiers: MedGen C0950123, MeSH D030342.

Allele frequency attached by ClinVar (database versions not stated): ExAC 0.00004; gnomAD 0.00004; TOPMed 0.00007; ESP Exome Variant Server 0.00015.
gnomAD v4.1: 12 of 1,613,732 alleles (0.00074%); highest among the groups gnomAD compares: African/African-American, 0.011%; no homozygotes.

Submissions (2):

Labcorp Genetics (formerly Invitae), Labcorp
Classification: Uncertain significance. Last evaluated: 2026-01-05. Review status: criteria provided, single submitter. Criteria: Invitae Variant Classification Sherloc (09022015). Collection method: clinical testing. Allele origin: germline.
Comment: This sequence change replaces glutamine, which is neutral and polar, with histidine, which is basic and polar, at codon 906 of the AARS2 protein (p.Gln906His). This variant is present in population databases (rs370586197, gnomAD 0.03%). This variant has not been reported in the literature in individuals affected with AARS2-related conditions. ClinVar contains an entry for this variant (Variation ID: 2414479). Invitae Evidence Modeling of protein sequence and biophysical properties (such as structural, functional, and spatial information, amino acid conservation, physicochemical variation, residue mobility, and thermodynamic stability) indicates that this missense variant is not expected to disrupt AARS2 protein function with a negative predictive value of 95%. In summary, the available evidence is currently insufficient to determine the role of this variant in disease. Therefore, it has been classified as a Variant of Uncertain Significance.

Ambry Genetics
Classification: Uncertain significance for Inborn genetic diseases. Last evaluated: 2025-11-07. Review status: criteria provided, single submitter. Criteria: Ambry Variant Classification Scheme 2023. Collection method: clinical testing. Allele origin: germline.